The following is an entry in ClinVar:

ClinVar aggregate classification (germline): Benign/Likely benign. Review status: criteria provided, multiple submitters, no conflicts (2 of 4 stars). 2 submissions from 2 submitters: Benign (1); Likely benign (1). Last evaluated 2024-09-17.

Conditions:
Hereditary diffuse gastric adenocarcinoma (HDGC). Also called: DIFFUSE GASTRIC AND LOBULAR BREAST CANCER SYNDROME. Identifiers: Orphanet 26106, MedGen C1708349, MONDO:0007648, OMIM 137215.

Submissions (2):

Myriad Genetics, Inc.
Classification: Likely benign for Hereditary diffuse gastric adenocarcinoma. Last evaluated: 2024-09-17. Review status: criteria provided, single submitter. Criteria: Myriad Autosomal Dominant, Autosomal Recessive and X-Linked Classification Criteria (2023). Collection method: clinical testing. Allele origin: unknown.
Comment: This variant is considered likely benign. This variant is intronic and is not expected to impact mRNA splicing.

Labcorp Genetics (formerly Invitae), Labcorp
Classification: Benign for Hereditary diffuse gastric adenocarcinoma. Last evaluated: 2024-07-08. Review status: criteria provided, single submitter. Criteria: Invitae Variant Classification Sherloc (09022015). Collection method: clinical testing. Allele origin: germline.

NM_004360.5(CDH1):c.1008+8dup

Gene: CDH1 (cadherin 1; plus strand). Cytogenetic location: 16q22.1.
Variant type: Duplication.
Coding change: c.1008+8dup on transcript NM_004360.5 (MANE Select); 8 bases into the intron after coding-DNA position 1008, one base duplicated (G; older notation c.1008+8dupG).
Molecular consequence: intron variant.
Genome position (GRCh38, 1-based): chr16:68,811,867, G duplicated; the last of 4 consecutive G bases (chr16:68,811,864-68,811,867); duplicating any one gives the same sequence. VCF-style (leftmost placement, unchanged base first): chr16-68811863-A-AG. GRCh37 (hg19) VCF-style: chr16-68845766-A-AG.
Other names: c.-608+8dup (NM_001317185.2); c.-812+8dup (NM_001317186.2); c.1008+8dup (NM_001317184.2).
Identifiers: ClinVar variation 1600751 (VCV001600751.9), dbSNP rs1555515665, ClinGen allele CA2229969196.